The following is an entry in ClinVar:

NM_018359.5(UFSP2):c.1291G>C (p.Gly431Arg)

Gene: UFSP2 (UFM1 specific peptidase 2; minus strand). Cytogenetic location: 4q35.1.
Variant type: single nucleotide variant.
Coding change: c.1291G>C on transcript NM_018359.5 (MANE Select); coding-DNA position 1291, G replaced by C.
Protein change: p.Gly431Arg; replaces glycine 431 with arginine.
Molecular consequence: missense variant. On other transcripts: non-coding transcript variant (2).
Genome position (GRCh38, 1-based): chr4:185,403,526, C>G on the plus strand (G>C on the coding strand, the complement: UFSP2 is on the minus strand). VCF-style: chr4-185403526-C-G. GRCh37 (hg19) VCF-style: chr4-186324680-C-G.
Other names: c.1291G>C (NM_018359.3); short protein forms G431R.
Identifiers: ClinVar variation 1049919 (VCV001049919.2), dbSNP rs768313407, ClinGen allele CA3158323.
Genomic context (GRCh38, chr4:185,403,526, plus strand): 5'-TCTCAATTTGTGTTAAATGGATACTTACCTTTTCCAAAATAACTTGCAGGTCTTCAGCAC[C>G]GGTATAATGTGGATCTAGAATCAGAAACTTTATCTGCCCTGTAATCTCATTCCATGCAAC-3'
Protein context (NP_060829.2, residues 421-441): KFLILDPHYT[Gly431Arg]AEDLQVILEK

ClinVar aggregate classification (germline): Uncertain significance. Review status: criteria provided, single submitter (1 of 4 stars). 2 submissions from 2 submitters: Uncertain significance (1). 1 of the submissions does not count toward it. Last evaluated 2024-07-31.

Submissions (2):

Ambry Genetics
Classification: Uncertain significance. Last evaluated: 2024-07-31. Review status: criteria provided, single submitter. Criteria: Ambry Variant Classification Scheme 2023. Collection method: clinical testing. Allele origin: germline.

Department of Pathology and Laboratory Medicine, Sinai Health System
Classification: Uncertain significance. Review status: no assertion criteria provided. Collection method: clinical testing. Allele origin: unknown. Affected: yes. Study: The Canadian Open Genetics Repository (COGR). Not counted in ClinVar's aggregate classification.
Comment: The UFSP2 p.Gly431Arg variant was identified in dbSNP (ID: rs768313407) but was not identified in ClinVar, Cosmic, or LOVD 3.0. The variant was identified in control databases in 5 of 282658 chromosomes at a frequency of 0.000018 (Genome Aggregation Database Feb 27, 2017). The variant was observed in the following populations: African in 4 of 24958 chromosomes (freq: 0.00016) and Latino in 1 of 35370 chromosomes (freq: 0.000028), while the variant was not observed in the Ashkenazi Jewish, East Asian, European (Finnish), European (non-Finnish), South Asian or Other populations. Although the p.Gly431 residue is not conserved in mammals and other organisms, computational analyses (PolyPhen-2, SIFT, BLOSUM, MutationTaster) suggest that the variant may impact the protein. The variant occurs outside of the splicing consensus sequence and 3 out of 4 in silico or computational prediction software programs (SpliceSiteFinder, NNSPLICE, GeneSplicer) do not predict a difference in splicing, while MaxEntScan predicts the loss of a 5â€šÃ„Ã´ splice site. In summary, based on the above information the clinical significance of this variant cannot be determined with certainty at this time. This variant is classified as a variant of uncertain significance.